The following is an entry in ClinVar:

NM_000784.4(CYP27A1):c.205T>C (p.Phe69Leu)

Gene: CYP27A1 (cytochrome P450 family 27 subfamily A member 1; plus strand). Cytogenetic location: 2q35.
Variant type: single nucleotide variant.
Coding change: c.205T>C on transcript NM_000784.4 (MANE Select); coding-DNA position 205, T replaced by C.
Protein change: p.Phe69Leu; replaces phenylalanine 69 with leucine.
Molecular consequence: missense variant.
Genome position (GRCh38, 1-based): chr2:218,782,387, T>C. VCF-style: chr2-218782387-T-C. GRCh37 (hg19) VCF-style: chr2-219647110-T-C.
Other names: short protein forms F69L.
Identifiers: ClinVar variation 1411223 (VCV001411223.3), dbSNP rs2106479175, ClinGen allele CA350576677.

ClinVar aggregate classification (germline): Uncertain significance (1 of 4 stars; one submission).

Conditions:
Cholestanol storage disease (CTX). Also called: Cerebrotendinous Xanthomatosis; CTX: Cerebrotendinous xanthomatosis; CEREBRAL CHOLESTERINOSIS. Identifiers: Orphanet 909, MedGen C0238052, MONDO:0008948, OMIM 213700.

Allele frequency attached by ClinVar (database versions not stated): gnomAD exomes below 0.00001.

Submission:

Labcorp Genetics (formerly Invitae), Labcorp
Classification: Uncertain significance for Cholestanol storage disease. Last evaluated: 2021-10-24. Review status: criteria provided, single submitter. Criteria: Invitae Variant Classification Sherloc (09022015). Collection method: clinical testing. Allele origin: germline.
Comment: This sequence change replaces phenylalanine with leucine at codon 69 of the CYP27A1 protein (p.Phe69Leu). The phenylalanine residue is weakly conserved and there is a small physicochemical difference between phenylalanine and leucine. This variant is not present in population databases (ExAC no frequency). This variant has not been reported in the literature in individuals with CYP27A1-related conditions. Algorithms developed to predict the effect of missense changes on protein structure and function output the following: SIFT: "Tolerated"; PolyPhen-2: "Benign"; Align-GVGD: "Class C0". The leucine amino acid residue is found in multiple mammalian species, suggesting that this missense change does not adversely affect protein function. These predictions have not been confirmed by published functional studies and their clinical significance is uncertain. In summary, the available evidence is currently insufficient to determine the role of this variant in disease. Therefore, it has been classified as a Variant of Uncertain Significance.